The following is an entry in ClinVar:

ClinVar aggregate classification (germline): Uncertain significance. Review status: criteria provided, multiple submitters, no conflicts (2 of 4 stars). 2 submissions from 2 submitters: Uncertain significance (2). Last evaluated 2025-09-26.

Conditions:
Ciliary dyskinesia, primary, 37 (CILD37). Also called: CILIARY DYSKINESIA, PRIMARY, 37, WITH OR WITHOUT SITUS INVERSUS. Identifiers: MedGen C4539798, MONDO:0033204, OMIM 617577.
Spermatogenic failure 18. Identifiers: MedGen C4539783, MONDO:0054615, OMIM 617576.

Allele frequency attached by ClinVar (database versions not stated): ExAC 0.00008; gnomAD exomes 0.00005 and 0.00003; TOPMed 0.00005; gnomAD 0.00003 and 0.00004.
gnomAD v4.1: 46 of 1,613,428 alleles (0.0029%); highest among the groups gnomAD compares: Middle Eastern, 0.049%; no homozygotes.

Submissions (2):

Ambry Genetics
Classification: Uncertain significance. Last evaluated: 2025-09-26. Review status: criteria provided, single submitter. Criteria: Ambry Variant Classification Scheme 2023. Collection method: clinical testing. Allele origin: germline.

Labcorp Genetics (formerly Invitae), Labcorp
Classification: Uncertain significance for Ciliary dyskinesia, primary, 37; Spermatogenic failure 18. Last evaluated: 2022-06-26. Review status: criteria provided, single submitter. Criteria: Invitae Variant Classification Sherloc (09022015). Collection method: clinical testing. Allele origin: germline.
Comment: This sequence change replaces methionine, which is neutral and non-polar, with valine, which is neutral and non-polar, at codon 4020 of the DNAH1 protein (p.Met4020Val). This variant is present in population databases (rs755049947, gnomAD 0.01%). This variant has not been reported in the literature in individuals affected with DNAH1-related conditions. ClinVar contains an entry for this variant (Variation ID: 646339). Algorithms developed to predict the effect of missense changes on protein structure and function are either unavailable or do not agree on the potential impact of this missense change (SIFT: "Deleterious"; PolyPhen-2: "Possibly Damaging"; Align-GVGD: "Class C0"). In summary, the available evidence is currently insufficient to determine the role of this variant in disease. Therefore, it has been classified as a Variant of Uncertain Significance.

NM_015512.5(DNAH1):c.12058A>G (p.Met4020Val)

Gene: DNAH1 (dynein axonemal heavy chain 1; plus strand). Cytogenetic location: 3p21.1.
Variant type: single nucleotide variant.
Coding change: c.12058A>G on transcript NM_015512.5 (MANE Select); coding-DNA position 12058, A replaced by G.
Protein change: p.Met4020Val; replaces methionine 4020 with valine.
Molecular consequence: missense variant.
Genome position (GRCh38, 1-based): chr3:52,398,131, A>G. VCF-style: chr3-52398131-A-G. GRCh37 (hg19) VCF-style: chr3-52432147-A-G.
Other names: short protein forms M4020V.
Identifiers: ClinVar variation 646339 (VCV000646339.5), dbSNP rs755049947, ClinGen allele CA2436369.